The following is an entry in ClinVar:

ClinVar aggregate classification (germline): Benign/Likely benign. Review status: criteria provided, multiple submitters, no conflicts (2 of 4 stars). 3 submissions from 3 submitters: Benign (1); Likely benign (2). Last evaluated 2026-03-22.

Conditions:
Hereditary cancer-predisposing syndrome. Also called: Hereditary Cancer Syndrome; Tumor predisposition; Hereditary neoplastic syndrome; Neoplastic Syndromes, Hereditary. Identifiers: Orphanet 140162, MedGen C0027672, MeSH D009386, MONDO:0015356.
Familial cancer of breast. Also called: Hereditary breast cancer; BREAST CANCER, FAMILIAL; hereditary breast carcinoma. Identifiers: Orphanet 227535, MedGen C0346153, MONDO:0016419, OMIM 114480. Disease mechanism: loss of function.
Ataxia-telangiectasia syndrome (AT). Also called: Ataxia telangiectasia (A-T); Cerebello-oculocutaneous telangiectasia; Immunodeficiency with ataxia telangiectasia; LOUIS-BAR SYNDROME; ATAXIA-TELANGIECTASIA, COMPLEMENTATION GROUP A; ATAXIA-TELANGIECTASIA, FRESNO VARIANT. Identifiers: Orphanet 100, MedGen C0004135, MONDO:0008840, OMIM 208900.

Submissions (3):

Ambry Genetics
Classification: Likely benign for Hereditary cancer-predisposing syndrome. Last evaluated: 2026-03-22. Review status: criteria provided, single submitter. Criteria: Ambry Variant Classification Scheme 2023. Collection method: clinical testing. Allele origin: germline.

Myriad Genetics, Inc.
Classification: Benign for Familial cancer of breast. Last evaluated: 2024-04-19. Review status: criteria provided, single submitter. Criteria: Myriad Autosomal Dominant, Autosomal Recessive and X-Linked Classification Criteria (2023). Collection method: clinical testing. Allele origin: unknown.
Comment: This variant is considered benign. This variant is a silent/synonymous amino acid change and it is not expected to impact splicing.

Labcorp Genetics (formerly Invitae), Labcorp
Classification: Likely benign for Ataxia-telangiectasia syndrome. Last evaluated: 2017-07-13. Review status: criteria provided, single submitter. Criteria: Invitae Variant Classification Sherloc (09022015). Collection method: clinical testing. Allele origin: germline.

NM_000051.4(ATM):c.339T>C (p.Pro113=)

Gene: ATM (ATM serine/threonine kinase; plus strand). Cytogenetic location: 11q22.3.
Variant type: single nucleotide variant.
Coding change: c.339T>C on transcript NM_000051.4 (MANE Select); coding-DNA position 339, T replaced by C.
Protein change: p.Pro113=; no amino-acid change (proline 113 retained).
Molecular consequence: synonymous variant.
Genome position (GRCh38, 1-based): chr11:108,235,677, T>C. VCF-style: chr11-108235677-T-C. GRCh37 (hg19) VCF-style: chr11-108106404-T-C.
Other names: c.339T>C, p.Pro113= (NM_001351834.2).
Identifiers: ClinVar variation 453465 (VCV000453465.9), dbSNP rs1555059023, ClinGen allele CA476670341.